The following is an entry in ClinVar:

NM_182961.4(SYNE1):c.13105G>A (p.Glu4369Lys)

Gene: SYNE1 (spectrin repeat containing nuclear envelope protein 1; minus strand). Cytogenetic location: 6q25.2.
Variant type: single nucleotide variant.
Coding change: c.13105G>A on transcript NM_182961.4 (MANE Select); coding-DNA position 13105, G replaced by A.
Protein change: p.Glu4369Lys; replaces glutamic acid 4369 with lysine.
Molecular consequence: missense variant.
Genome position (GRCh38, 1-based): chr6:152,331,580, C>T on the plus strand (G>A on the coding strand, the complement: SYNE1 is on the minus strand). VCF-style: chr6-152331580-C-T. GRCh37 (hg19) VCF-style: chr6-152652715-C-T.
Other names: c.12892G>A, p.Glu4298Lys (NM_033071.5); c.12892G>A (NM_033071.3); short protein forms E4298K, E4369K.
Identifiers: ClinVar variation 994995 (VCV000994995.8), dbSNP rs777182389, ClinGen allele CA4056244.
Genomic context (GRCh38, chr6:152,331,580, plus strand): 5'-CCAGGTGATCCATGAGAAGGTTCTGAGCCATATCTGGAGGAGGGCTCTGCTTAAGGGCCT[C>T]GGCGATGTTGGGTTGTTGCTCTTCTGCCCACTCCATTAGCTCCTGAAATCTGGACTGCAC-3'
Protein context (NP_892006.3, residues 4359-4379): WAEEQQPNIA[Glu4369Lys]ALKQSPPPDM

ClinVar aggregate classification (germline): Uncertain significance. Review status: criteria provided, multiple submitters, no conflicts (2 of 4 stars). 3 submissions from 3 submitters: Uncertain significance (3). Last evaluated 2024-10-15.

Conditions:
Autosomal recessive ataxia, Beauce type. Also called: ATAXIA, RECESSIVE, OF BEAUCE; Spinocerebellar ataxia, autosomal recessive 8; SYNE1-Related Autosomal Recessive Cerebellar Ataxia; SYNE1 Deficiency. Identifiers: Orphanet 88644, MedGen C1853116, MONDO:0012549, OMIM 610743.
Emery-Dreifuss muscular dystrophy 4, autosomal dominant (EDMD4). Also called: EMERY-DREIFUSS MUSCULAR DYSTROPHY 4 WITH VARIABLE FEATURES. Identifiers: Orphanet 261, MedGen C2751807, MONDO:0013071, OMIM 612998.

Allele frequency attached by ClinVar (database versions not stated): ExAC 0.00001; TOPMed 0.00001; gnomAD exomes 0.00002.
gnomAD v4.1: 28 of 1,614,116 alleles (0.0017%); highest among the groups gnomAD compares: South Asian, 0.0066%; no homozygotes.

Submissions (3):

Labcorp Genetics (formerly Invitae), Labcorp
Classification: Uncertain significance for Emery-Dreifuss muscular dystrophy 4, autosomal dominant; Autosomal recessive ataxia, Beauce type. Last evaluated: 2024-10-15. Review status: criteria provided, single submitter. Criteria: Invitae Variant Classification Sherloc (09022015). Collection method: clinical testing. Allele origin: germline.
Comment: This sequence change replaces glutamic acid, which is acidic and polar, with lysine, which is basic and polar, at codon 4298 of the SYNE1 protein (p.Glu4298Lys). The frequency data for this variant in the population databases is considered unreliable, as metrics indicate poor data quality at this position in the gnomAD database. This variant has not been reported in the literature in individuals affected with SYNE1-related conditions. ClinVar contains an entry for this variant (Variation ID: 994995). An algorithm developed to predict the effect of missense changes on protein structure and function (PolyPhen-2) suggests that this variant is likely to be disruptive. In summary, the available evidence is currently insufficient to determine the role of this variant in disease. Therefore, it has been classified as a Variant of Uncertain Significance.

Revvity Omics, Revvity
Classification: Uncertain significance. Last evaluated: 2023-04-12. Review status: criteria provided, single submitter. Criteria: ACMG Guidelines, 2015. Collection method: clinical testing. Allele origin: germline.

Athena Diagnostics
Classification: Uncertain significance. Last evaluated: 2019-11-05. Review status: criteria provided, single submitter. Criteria: Athena Diagnostics Criteria. Collection method: clinical testing. Allele origin: unknown.